The following is an entry in ClinVar:

ClinVar aggregate classification (germline): Pathogenic (1 of 4 stars; one submission).

Conditions:
Kabuki syndrome. Also called: NIIKAWA-KUROKI SYNDROME; Kabuki make-up syndrome. Identifiers: Orphanet 2322, MedGen C0796004, MONDO:0016512.

Submission:

Labcorp Genetics (formerly Invitae), Labcorp
Classification: Pathogenic for Kabuki syndrome. Last evaluated: 2019-04-08. Review status: criteria provided, single submitter. Criteria: Invitae Variant Classification Sherloc (09022015). Collection method: clinical testing. Allele origin: germline.
Comment: This sequence change creates a premature translational stop signal (p.Ser4124Hisfs*14) in the KMT2D gene. It is expected to result in an absent or disrupted protein product. This variant is not present in population databases (ExAC no frequency). This variant has not been reported in the literature in individuals with KMT2D-related conditions. Loss-of-function variants in KMT2D are known to be pathogenic (PMID: 22126750). For these reasons, this variant has been classified as Pathogenic.

Literature cited by the submitters: PubMed 22126750.

NM_003482.4(KMT2D):c.12370_12382del (p.Ser4124fs)

Gene: KMT2D (lysine methyltransferase 2D; minus strand). Cytogenetic location: 12q13.12.
Variant type: Deletion.
Coding change: c.12370_12382del on transcript NM_003482.4 (MANE Select); coding-DNA positions 12370 to 12382, 13 bases deleted (TCTTCTGAGGCCT).
Protein change: p.Ser4124fs; shifts the reading frame from serine 4124.
Molecular consequence: frameshift variant.
Genome position (GRCh38, 1-based): chr12:49,032,323-49,032,335, AGGCCTCAGAAGA deleted on the plus strand (TCTTCTGAGGCCT on the coding strand, the reverse complement: KMT2D is on the minus strand). VCF-style (leftmost placement, unchanged base first): chr12-49032322-GAGGCCTCAGAAGA-G. GRCh37 (hg19) VCF-style: chr12-49426105-GAGGCCTCAGAAGA-G.
Other names: short protein forms S4124fs.
Identifiers: ClinVar variation 949236 (VCV000949236.8), dbSNP rs1942960710, ClinGen allele CA1139662668.